The following is an entry in ClinVar:

ClinVar aggregate classification (germline): Likely benign. Review status: criteria provided, multiple submitters, no conflicts (2 of 4 stars). 2 submissions from 2 submitters: Likely benign (2). Last evaluated 2025-09-10.

Conditions:
Landau-Kleffner syndrome (FESD). Also called: EPILEPSY, FOCAL, WITH SPEECH DISORDER AND WITH OR WITHOUT MENTAL RETARDATION; APHASIA, ACQUIRED, WITH EPILEPSY. Identifiers: Orphanet 1945, Orphanet 725, Orphanet 98818, MedGen C0282512, MONDO:0009509, OMIM 245570.

Allele frequency attached by ClinVar (database versions not stated): ESP Exome Variant Server 0.00008.
gnomAD v4.1: 39 of 1,613,766 alleles (0.0024%); highest among the groups gnomAD compares: Middle Eastern, 0.033%; no homozygotes.

Submissions (2):

Labcorp Genetics (formerly Invitae), Labcorp
Classification: Likely benign for Landau-Kleffner syndrome. Last evaluated: 2025-09-10. Review status: criteria provided, single submitter. Criteria: Invitae Variant Classification Sherloc (09022015). Collection method: clinical testing. Allele origin: germline.

CeGaT Center for Human Genetics Tuebingen
Classification: Likely benign. Last evaluated: 2023-10-01. Review status: criteria provided, single submitter. Criteria: CeGaT Center For Human Genetics Tuebingen Variant Classification Criteria Version 2. Collection method: clinical testing. Allele origin: germline. Affected: yes. Observed: 1 variant allele.
Comment: GRIN2A: BP4, BP7

NM_001134407.3(GRIN2A):c.2997C>T (p.Ala999=)

Gene: GRIN2A (glutamate ionotropic receptor NMDA type subunit 2A; minus strand). Cytogenetic location: 16p13.2.
Variant type: single nucleotide variant.
Coding change: c.2997C>T on transcript NM_001134407.3 (MANE Select); coding-DNA position 2997, C replaced by T.
Protein change: p.Ala999=; no amino-acid change (alanine 999 retained).
Molecular consequence: synonymous variant.
Genome position (GRCh38, 1-based): chr16:9,764,547, G>A on the plus strand (C>T on the coding strand, the complement: GRIN2A is on the minus strand). VCF-style: chr16-9764547-G-A. GRCh37 (hg19) VCF-style: chr16-9858404-G-A.
Other names: c.2997C>T, p.Ala999= (NM_000833.5, NM_001134408.2).
Identifiers: ClinVar variation 1620375 (VCV001620375.32), dbSNP rs144706004, ClinGen allele CA7896390.
Genomic context (GRCh38, chr16:9,764,547, plus strand): 5'-ATCCACGGATTTCTTCCACAGCTGCCGGGGTCTAGAGTTCGCTTTGGATTCTGTGCTCAC[G>A]GCCACCTCCACCGTGTTAGGGTTGGACTCATTGAGAGTAAGAGGATGTTGTCCCTGGAAT-3'
Protein context (NP_001127879.1, residues 989-1009): NESNPNTVEV[Ala999=]VSTESKANSR